The following is an entry in ClinVar:

ClinVar aggregate classification (germline): Likely benign. Review status: criteria provided, single submitter (1 of 4 stars). 2 submissions from 2 submitters: Likely benign (1). 1 of the submissions does not count toward it. Last evaluated 2024-12-31.

Conditions:
QRSL1-related disorder. Also called: QRSL1-related condition.

Allele frequency attached by ClinVar (database versions not stated): ExAC 0.00030; gnomAD 0.00069; ESP Exome Variant Server 0.00077; TOPMed 0.00077; 1000 Genomes Project 0.00180; 1000 Genomes Project 30x 0.00203.
gnomAD v4.1: 267 of 1,609,336 alleles (0.017%); highest among the groups gnomAD compares: African/African-American, 0.3%; 1 homozygote.

Submissions (2):

Labcorp Genetics (formerly Invitae), Labcorp
Classification: Likely benign. Last evaluated: 2024-12-31. Review status: criteria provided, single submitter. Criteria: Invitae Variant Classification Sherloc (09022015). Collection method: clinical testing. Allele origin: germline.

PreventionGenetics, part of Exact Sciences
Classification: Likely benign for QRSL1-related condition. Last evaluated: 2022-07-06. Review status: no assertion criteria provided. Collection method: clinical testing. Allele origin: germline. Not counted in ClinVar's aggregate classification.
Comment: This variant is classified as likely benign based on ACMG/AMP sequence variant interpretation guidelines (Richards et al. 2015 PMID: 25741868, with internal and published modifications).

NM_018292.5(QRSL1):c.863C>T (p.Pro288Leu)

Gene: QRSL1 (glutaminyl-tRNA amidotransferase subunit QRSL1; plus strand). Cytogenetic location: 6q21.
Variant type: single nucleotide variant.
Coding change: c.863C>T on transcript NM_018292.5 (MANE Select); coding-DNA position 863, C replaced by T.
Protein change: p.Pro288Leu; replaces proline 288 with leucine.
Molecular consequence: missense variant.
Genome position (GRCh38, 1-based): chr6:106,654,743, C>T. VCF-style: chr6-106654743-C-T. GRCh37 (hg19) VCF-style: chr6-107102618-C-T.
Other names: c.863C>T (NM_018292.4); short protein forms P288L.
Identifiers: ClinVar variation 2200714 (VCV002200714.6), dbSNP rs139097179, ClinGen allele CA3944898.